The following is an entry in ClinVar:

NM_015378.4(VPS13D):c.710A>G (p.Tyr237Cys)

Gene: VPS13D (vacuolar protein sorting 13 homolog D; plus strand). Cytogenetic location: 1p36.22.
Variant type: single nucleotide variant.
Coding change: c.710A>G on transcript NM_015378.4 (MANE Select); coding-DNA position 710, A replaced by G.
Protein change: p.Tyr237Cys; replaces tyrosine 237 with cysteine.
Molecular consequence: missense variant.
Genome position (GRCh38, 1-based): chr1:12,256,373, A>G. VCF-style: chr1-12256373-A-G. GRCh37 (hg19) VCF-style: chr1-12316430-A-G.
Other names: c.710A>G, p.Tyr237Cys (NM_018156.4); short protein forms Y237C.
Identifiers: ClinVar variation 1313802 (VCV001313802.3), dbSNP rs1640921433, ClinGen allele CA338457389.
Genomic context (GRCh38, chr1:12,256,373, plus strand): 5'-GGTGTTCTTGTGACACACAGGAGGCCATGGCCAGGAGCATGGAGAGTCGCAGCCATCACT[A>G]CGTCCTGGAGCCTGTGTTTGCATCTGCTCTTTTGAAGAGAAACTGCTCCAAGAAGCCCCT-3'
Protein context (NP_056193.2, residues 227-247): ARSMESRSHH[Tyr237Cys]VLEPVFASAL

ClinVar aggregate classification (germline): Uncertain significance (1 of 4 stars; one submission).

gnomAD v4.1: 4 of 1,614,038 alleles (0.00025%); highest among the groups gnomAD compares: Non-Finnish European, 0.00034%; no homozygotes.

Submission:

GeneDx
Classification: Uncertain significance. Last evaluated: 2024-06-03. Review status: criteria provided, single submitter. Criteria: GeneDx Variant Classification Process June 2021. Collection method: clinical testing. Allele origin: germline. Affected: yes.
Comment: Has not been previously published as pathogenic or benign to our knowledge; Not observed at significant frequency in large population cohorts (gnomAD); In silico analysis supports that this missense variant has a deleterious effect on protein structure/function